The following is an entry in ClinVar:

ClinVar aggregate classification (germline): Uncertain significance. Review status: criteria provided, multiple submitters, no conflicts (2 of 4 stars). 2 submissions from 2 submitters: Uncertain significance (2). Last evaluated 2024-12-15.

Conditions:
Thyroid dyshormonogenesis 6 (TDH6). Also called: HYPOTHYROIDISM, CONGENITAL, DUE TO DYSHORMONOGENESIS, 6; THYROID HORMONOGENESIS, GENETIC DEFECT IN, 6; Genetic transient congenital hypothyroidism. Identifiers: Orphanet 226316, Orphanet 95716, MedGen C1846632, MONDO:0011792, OMIM 607200.

Allele frequency attached by ClinVar (database versions not stated): ExAC 0.00001; gnomAD 0.00001; gnomAD exomes 0.00001; TOPMed 0.00002; ESP Exome Variant Server 0.00008.
gnomAD v4.1: 46 of 1,613,766 alleles (0.0029%); highest among the groups gnomAD compares: Non-Finnish European, 0.0036%; no homozygotes.

Submissions (2):

Labcorp Genetics (formerly Invitae), Labcorp
Classification: Uncertain significance. Last evaluated: 2024-12-15. Review status: criteria provided, single submitter. Criteria: Invitae Variant Classification Sherloc (09022015). Collection method: clinical testing. Allele origin: germline.
Comment: This sequence change replaces glycine, which is neutral and non-polar, with serine, which is neutral and polar, at codon 343 of the DUOX2 protein (p.Gly343Ser). This variant is present in population databases (rs367829065, gnomAD 0.004%). This missense change has been observed in individual(s) with inflammatory bowel disease (PMID: 33651715). ClinVar contains an entry for this variant (Variation ID: 887079). Invitae Evidence Modeling of protein sequence and biophysical properties (such as structural, functional, and spatial information, amino acid conservation, physicochemical variation, residue mobility, and thermodynamic stability) indicates that this missense variant is expected to disrupt DUOX2 protein function with a positive predictive value of 80%. Experimental studies have shown that this missense change affects DUOX2 function (PMID: 33651715). In summary, the available evidence is currently insufficient to determine the role of this variant in disease. Therefore, it has been classified as a Variant of Uncertain Significance.

Illumina Laboratory Services, Illumina
Classification: Uncertain significance for Thyroid dyshormonogenesis 6. Last evaluated: 2018-01-15. Review status: criteria provided, single submitter. Criteria: ICSL Variant Classification Criteria 13 December 2019. Collection method: clinical testing. Allele origin: germline.

Literature cited by the submitters: PubMed 33651715 (cited by Labcorp Genetics (formerly Invitae), Labcorp).

NM_001363711.2(DUOX2):c.1027G>A (p.Gly343Ser)

Gene: DUOX2 (dual oxidase 2; minus strand). Cytogenetic location: 15q21.1.
Variant type: single nucleotide variant.
Coding change: c.1027G>A on transcript NM_001363711.2 (MANE Select); coding-DNA position 1027, G replaced by A.
Protein change: p.Gly343Ser; replaces glycine 343 with serine.
Molecular consequence: missense variant.
Genome position (GRCh38, 1-based): chr15:45,110,441, C>T on the plus strand (G>A on the coding strand, the complement: DUOX2 is on the minus strand). VCF-style: chr15-45110441-C-T. GRCh37 (hg19) VCF-style: chr15-45402639-C-T.
Other names: c.1027G>A, p.Gly343Ser (NM_014080.5); short protein forms G343S.
Identifiers: ClinVar variation 887079 (VCV000887079.10), dbSNP rs367829065, ClinGen allele CA7538785.